The following is an entry in ClinVar:

NM_003476.5(CSRP3):c.415-3C>A

Gene: CSRP3 (cysteine and glycine rich protein 3; minus strand). Cytogenetic location: 11p15.1.
Variant type: single nucleotide variant.
Coding change: c.415-3C>A on transcript NM_003476.5 (MANE Select); 3 bases into the intron before coding-DNA position 415, C replaced by A.
Molecular consequence: intron variant.
Genome position (GRCh38, 1-based): chr11:19,185,048, G>T on the plus strand (C>A on the coding strand, the complement: CSRP3 is on the minus strand). VCF-style: chr11-19185048-G-T. GRCh37 (hg19) VCF-style: chr11-19206595-G-T.
Other names: c.246-3C>A (NM_001369404.1).
Identifiers: ClinVar variation 3754607 (VCV003754607.2).

ClinVar aggregate classification (germline): Uncertain significance (1 of 4 stars; one submission).

Conditions:
Dilated cardiomyopathy 1M (CMD1M). Identifiers: Orphanet 154, MedGen C1843808, MONDO:0011840, OMIM 607482.
Hypertrophic cardiomyopathy 12. Identifiers: MedGen C2677491, MONDO:0012804, OMIM 612124.

Submission:

Labcorp Genetics (formerly Invitae), Labcorp
Classification: Uncertain significance for Hypertrophic cardiomyopathy 12; Dilated cardiomyopathy 1M. Last evaluated: 2024-02-13. Review status: criteria provided, single submitter. Criteria: Invitae Variant Classification Sherloc (09022015). Collection method: clinical testing. Allele origin: germline.
Comment: This sequence change falls in intron 5 of the CSRP3 gene. It does not directly change the encoded amino acid sequence of the CSRP3 protein. It affects a nucleotide within the consensus splice site. This variant is not present in population databases (gnomAD no frequency). This variant has not been reported in the literature in individuals affected with CSRP3-related conditions. Variants that disrupt the consensus splice site are a relatively common cause of aberrant splicing (PMID: 17576681, 9536098). Algorithms developed to predict the effect of sequence changes on RNA splicing suggest that this variant is not likely to affect RNA splicing. In summary, the available evidence is currently insufficient to determine the role of this variant in disease. Therefore, it has been classified as a Variant of Uncertain Significance.

Literature cited by the submitters: PubMed 17576681; PubMed 9536098.